The following is an entry in ClinVar:

NM_201384.3(PLEC):c.10014C>T (p.Val3338=)

Gene: PLEC (plectin; minus strand). Cytogenetic location: 8q24.3.
Variant type: single nucleotide variant.
Coding change: c.10014C>T on transcript NM_201384.3 (MANE Select); coding-DNA position 10014, C replaced by T.
Protein change: p.Val3338=; no amino-acid change (valine 3338 retained).
Molecular consequence: synonymous variant.
Genome position (GRCh38, 1-based): chr8:143,919,807, G>A on the plus strand (C>T on the coding strand, the complement: PLEC is on the minus strand). VCF-style: chr8-143919807-G-A. GRCh37 (hg19) VCF-style: chr8-144993975-G-A.
Other names: p.Val3324=; c.10095C>T, p.Val3365= (NM_000445.5); c.9972C>T, p.Val3324= (NM_201378.4); c.9948C>T, p.Val3316= (NM_201379.3); c.10425C>T, p.Val3475= (NM_201380.4); c.9918C>T, p.Val3306= (NM_201381.3); c.10014C>T, p.Val3338= (NM_201382.4); c.10026C>T, p.Val3342= (NM_201383.3).
Identifiers: ClinVar variation 129920 (VCV000129920.21), dbSNP rs35775257, ClinGen allele CA154317.
Genomic context (GRCh38, chr8:143,919,807, plus strand): 5'-GGCGAGGCAGCCACTGCCCTGCAGCAGCGTCCGCACGGAGCCCAGCTCCGAAAGGTCCTT[G>A]ACCGTCGTCTTGCCGTCCTTGAGCTGCTCAAACTGGGCTCTGCTGAGGACCCCGGAAGCC-3'
Protein context (NP_958786.1, residues 3328-3348): FEQLKDGKTT[Val3338=]KDLSELGSVR

ClinVar aggregate classification (germline): Benign. Review status: criteria provided, multiple submitters, no conflicts (2 of 4 stars). 6 submissions from 6 submitters: Benign (5). 1 of the submissions does not count toward it. Last evaluated 2026-02-01.

Conditions:
Epidermolysis bullosa simplex 5C, with pyloric atresia (EBS5C). Also called: PLEC-Related Epidermolysis Bullosa with Pyloric Atresia; Epidermolysis bullosa simplex with pyloric atresia; PLEC1-Related Epidermolysis Bullosa with Pyloric Atresia. Identifiers: Orphanet 158684, MedGen C2677349, MONDO:0012807, OMIM 612138.
Autosomal recessive limb-girdle muscular dystrophy type 2Q (LGMDR17). Also called: MUSCULAR DYSTROPHY, LIMB-GIRDLE, AUTOSOMAL RECESSIVE 17. Identifiers: Orphanet 254361, MedGen C3150989, MONDO:0013390, OMIM 613723.
Epidermolysis bullosa simplex with nail dystrophy (EBS5D). Identifiers: MedGen C4225309, MONDO:0014661, OMIM 616487.
Epidermolysis bullosa simplex 5B, with muscular dystrophy (EBS5B). Also called: Epidermolysis bullosa simplex with muscular dystrophy; EPIDERMOLYSIS BULLOSA SIMPLEX AND LIMB-GIRDLE MUSCULAR DYSTROPHY. Identifiers: Orphanet 257, MedGen C2931072, MONDO:0009181, OMIM 226670.
Epidermolysis bullosa simplex, Ogna type (EBS5A). Also called: Pidermolysis bullosa simplex 5A, Ogna type; EPIDERMOLYSIS BULLOSA SIMPLEX 5A, OGNA TYPE. Identifiers: Orphanet 79401, MedGen C0432317, MONDO:0007555, OMIM 131950.

Allele frequency attached by ClinVar (database versions not stated): gnomAD exomes 0.00380 and 0.00974; ExAC 0.01203; 1000 Genomes Project 0.03814; gnomAD 0.03957 and 0.04275; 1000 Genomes Project 30x 0.04076; ESP Exome Variant Server 0.04358; TOPMed 0.04532.
gnomAD v4.1: 11,790 of 1,613,006 alleles (0.73%); highest among the groups gnomAD compares: African/African-American, 14%; 795 homozygotes.

Submissions (6):

Labcorp Genetics (formerly Invitae), Labcorp
Classification: Benign for Autosomal recessive limb-girdle muscular dystrophy type 2Q; Epidermolysis bullosa simplex, Ogna type; Epidermolysis bullosa simplex with nail dystrophy; Epidermolysis bullosa simplex 5C, with pyloric atresia; Epidermolysis bullosa simplex 5B, with muscular dystrophy. Last evaluated: 2026-02-01. Review status: criteria provided, single submitter. Criteria: Invitae Variant Classification Sherloc (09022015). Collection method: clinical testing. Allele origin: germline.

Mayo Clinic Laboratories, Mayo Clinic
Classification: Benign. Last evaluated: 2018-07-12. Review status: criteria provided, single submitter. Criteria: ACMG Guidelines, 2015. Collection method: clinical testing. Allele origin: germline. Observed: 31 variant alleles.

GeneDx
Classification: Benign. Last evaluated: 2016-02-18. Review status: criteria provided, single submitter. Criteria: GeneDx Variant Classification (06012015). Collection method: clinical testing. Allele origin: germline. Affected: yes.
Comment: This variant is considered likely benign or benign based on one or more of the following criteria: it is a conservative change, it occurs at a poorly conserved position in the protein, it is predicted to be benign by multiple in silico algorithms, and/or has population frequency not consistent with disease.

Laboratory for Molecular Medicine, Mass General Brigham Personalized Medicine
Classification: Benign. Last evaluated: 2015-01-13. Review status: criteria provided, single submitter. Criteria: LMM Criteria. Collection method: clinical testing. Allele origin: germline. Observed: 1 variant allele.
Comment: p.Val3475Val in exon 32 of PLEC: This variant is not expected to have clinical s ignificance because it does not alter an amino acid residue and is not located w ithin the splice consensus sequence. It has been identified in 13.1% (544/4152) of African American chromosomes from a broad population by the NHLBI Exome Seque ncing Project (dbSNP rs35775257).

Breakthrough Genomics
Classification: Benign. Review status: criteria provided, single submitter. Criteria: ACMG Guidelines, 2015. Collection method: not provided. Allele origin: germline. Inheritance: Autosomal recessive inheritance. Affected: yes.

Genetic Services Laboratory, University of Chicago
Classification: Likely benign for AllHighlyPenetrant. Review status: no assertion criteria provided. Collection method: clinical testing. Allele origin: germline. Inheritance: Autosomal recessive inheritance. Not counted in ClinVar's aggregate classification.
Comment: Likely benign based on allele frequency in 1000 Genomes Project or ESP global frequency and its presence in a patient with a rare or unrelated disease phenotype. NOT Sanger confirmed.